The following is an entry in ClinVar:

NM_020461.4(TUBGCP6):c.5327C>G (p.Ser1776Cys)

Gene: TUBGCP6 (tubulin gamma complex component 6; minus strand). Cytogenetic location: 22q13.33.
Variant type: single nucleotide variant.
Coding change: c.5327C>G on transcript NM_020461.4 (MANE Select); coding-DNA position 5327, C replaced by G.
Protein change: p.Ser1776Cys; replaces serine 1776 with cysteine.
Molecular consequence: missense variant.
Genome position (GRCh38, 1-based): chr22:50,217,959, G>C on the plus strand (C>G on the coding strand, the complement: TUBGCP6 is on the minus strand). VCF-style: chr22-50217959-G-C. GRCh37 (hg19) VCF-style: chr22-50656388-G-C.
Other names: short protein forms S1776C.
Identifiers: ClinVar variation 218773 (VCV000218773.13), dbSNP rs374204240, ClinGen allele CA249305.

ClinVar aggregate classification (germline): Conflicting classifications of pathogenicity. Review status: criteria provided, conflicting classifications (1 of 4 stars). 4 submissions from 4 submitters: Uncertain significance (2); Likely benign (2). Last evaluated 2025-09-14.

Allele frequency attached by ClinVar (database versions not stated): gnomAD below 0.00001 and 0.00003; TOPMed 0.00002; 1000 Genomes Project 30x 0.00031; 1000 Genomes Project 0.00040.
gnomAD v4.1: 204 of 1,610,674 alleles (0.013%); highest among the groups gnomAD compares: South Asian, 0.2%; 1 homozygote.

Submissions (4):

Labcorp Genetics (formerly Invitae), Labcorp
Classification: Likely benign. Last evaluated: 2025-09-14. Review status: criteria provided, single submitter. Criteria: Invitae Variant Classification Sherloc (09022015). Collection method: clinical testing. Allele origin: germline.

GeneDx
Classification: Uncertain significance. Last evaluated: 2024-09-07. Review status: criteria provided, single submitter. Criteria: GeneDx Variant Classification Process June 2021. Collection method: clinical testing. Allele origin: germline. Affected: yes.
Comment: Identified in a patient with a clinical diagnosis of Raine syndrome, including microcephaly, dysmorphic features, osteosclerosis, and developmental delay who also harbored the R1128K variant in TUBGCP6 and was homozygous for a variant in FAM20C; authors attributed patient phenotype to homozygosity of FAM20C variant (PMID: 29751744); In silico analysis supports that this missense variant has a deleterious effect on protein structure/function; This variant is associated with the following publications: (PMID: 29751744)

Blueprint Genetics
Classification: Likely benign. Last evaluated: 2024-07-16. Review status: criteria provided, single submitter. Criteria: ACMG Guidelines, 2015. Collection method: clinical testing. Allele origin: germline.

Genomic Diagnostic Laboratory, Division of Genomic Diagnostics, Children's Hospital of Philadelphia
Classification: Uncertain significance. Last evaluated: 2015-03-06. Review status: criteria provided, single submitter. Criteria: DGD Variant Analysis Guidelines. Collection method: clinical testing. Allele origin: unknown.